The following is an entry in ClinVar:

ClinVar aggregate classification (germline): Likely pathogenic (1 of 4 stars; one submission).

Conditions:
Ellis-van Creveld syndrome (EVC). Also called: EVC-Related Ellis-van Creveld Syndrome; EVC2-Related Ellis-van Creveld Syndrome; MESOECTODERMAL DYSPLASIA; Chondroectodermal dysplasia. Identifiers: Orphanet 289, MedGen C0013903, MONDO:0009162, OMIM 225500.

Submission:

Myriad Genetics, Inc.
Classification: Likely pathogenic for Ellis-van Creveld syndrome. Last evaluated: 2022-01-02. Review status: criteria provided, single submitter. Criteria: Myriad Women's Health Autosomal Recessive and X-Linked Classification Criteria (2021). Collection method: clinical testing. Allele origin: unknown.
Comment: NM_153717.2(EVC):c.708delT(F236Lfs*37) is expected to be pathogenic in the context of EVC-related Ellis-van Creveld syndrome. This variant is predicted to lead to an abnormal or absent protein product due to the creation of a premature termination codon in EVC, a gene where loss-of-function variants are known to be pathogenic. Please note: this variant was assessed in the context of healthy population screening.

NM_153717.3(EVC):c.708del (p.Phe236fs)

Gene: EVC (EvC ciliary complex subunit 1; plus strand). Cytogenetic location: 4p16.2.
Variant type: Deletion.
Coding change: c.708del on transcript NM_153717.3 (MANE Select); coding-DNA position 708, one base deleted (T; older notation c.708delT).
Protein change: p.Phe236fs; shifts the reading frame from phenylalanine 236.
Molecular consequence: frameshift variant.
Genome position (GRCh38, 1-based): chr4:5,741,721, T deleted; the last of 3 consecutive T bases (chr4:5,741,719-5,741,721); deleting any one gives the same sequence. VCF-style (leftmost placement, unchanged base first): chr4-5741718-GT-G. GRCh37 (hg19) VCF-style: chr4-5743445-GT-G.
Other names: c.708del, p.Phe236fs (NM_001306090.2, NM_001306092.2); short protein forms F236fs.
Identifiers: ClinVar variation 1726876 (VCV001726876.2), dbSNP rs2474944725, ClinGen allele CA2580070792.
Genomic context (GRCh38, chr4:5,741,718, plus strand): 5'-AGACAAAAATACCATTGATTAAACTTTTCTTTTGTTATCTTTCCTTTCTTGGCAATAGAT[GT>G]TTATTCAGATTTTTAAAATGTGCCTCCTTGACCTTCTTCCTAAAAAGAAGTCAGATGATG-3'